The following is an entry in ClinVar:

NM_024876.4(COQ8B):c.943G>A (p.Glu315Lys)

Gene: COQ8B (coenzyme Q8B; minus strand). Cytogenetic location: 19q13.2.
Variant type: single nucleotide variant.
Coding change: c.943G>A on transcript NM_024876.4 (MANE Select); coding-DNA position 943, G replaced by A.
Protein change: p.Glu315Lys; replaces glutamic acid 315 with lysine.
Molecular consequence: missense variant.
Genome position (GRCh38, 1-based): chr19:40,700,402, C>T on the plus strand (G>A on the coding strand, the complement: COQ8B is on the minus strand). VCF-style: chr19-40700402-C-T. GRCh37 (hg19) VCF-style: chr19-41206307-C-T.
Other names: c.820G>A, p.Glu274Lys (NM_001142555.3); short protein forms E315K, E274K.
Identifiers: ClinVar variation 1502989 (VCV001502989.6), dbSNP rs369004265, ClinGen allele CA9450205.
Genomic context (GRCh38, chr19:40,700,402, plus strand): 5'-ACTGGTCCAGGGGGACCCCTCCAGCCAGCTCCATGCCCAGCACCCGTGTCGTGCACAGCT[C>T]CTTAACCACGGCTGGGACCCGGAAGAAGGGGTCATTTGCCAGCAGCTGCCTGGGGCAGAA-3'
Protein context (NP_079152.3, residues 305-325): PFFRVPAVVK[Glu315Lys]LCTTRVLGME

ClinVar aggregate classification (germline): Uncertain significance (1 of 4 stars; one submission).

Allele frequency attached by ClinVar (database versions not stated): TOPMed below 0.00001; gnomAD 0.00001 and 0.00002; gnomAD exomes 0.00001 and 0.00002; ExAC 0.00002; ESP Exome Variant Server 0.00008.

Submission:

Labcorp Genetics (formerly Invitae), Labcorp
Classification: Uncertain significance. Last evaluated: 2022-10-06. Review status: criteria provided, single submitter. Criteria: Invitae Variant Classification Sherloc (09022015). Collection method: clinical testing. Allele origin: germline.
Comment: In summary, the available evidence is currently insufficient to determine the role of this variant in disease. Therefore, it has been classified as a Variant of Uncertain Significance. Advanced modeling of protein sequence and biophysical properties (such as structural, functional, and spatial information, amino acid conservation, physicochemical variation, residue mobility, and thermodynamic stability) performed at Invitae indicates that this missense variant is not expected to disrupt COQ8B protein function. ClinVar contains an entry for this variant (Variation ID: 1502989). This variant has not been reported in the literature in individuals affected with COQ8B-related conditions. This variant is present in population databases (rs369004265, gnomAD 0.006%). This sequence change replaces glutamic acid, which is acidic and polar, with lysine, which is basic and polar, at codon 315 of the COQ8B protein (p.Glu315Lys).